The following is an entry in ClinVar:

NM_005120.3(MED12):c.4223C>T (p.Pro1408Leu)

Gene: MED12 (mediator complex subunit 12; plus strand). Cytogenetic location: Xq13.1.
Variant type: single nucleotide variant.
Coding change: c.4223C>T on transcript NM_005120.3 (MANE Select); coding-DNA position 4223, C replaced by T.
Protein change: p.Pro1408Leu; replaces proline 1408 with leucine.
Molecular consequence: missense variant.
Genome position (GRCh38, 1-based): chrX:71,132,176, C>T. VCF-style: chrX-71132176-C-T. GRCh37 (hg19) VCF-style: chrX-70352026-C-T.
Other names: short protein forms P1408L.
Identifiers: ClinVar variation 2882760 (VCV002882760.3), dbSNP rs2519699502, ClinGen allele CA413525915.

ClinVar aggregate classification (germline): Uncertain significance (1 of 4 stars; one submission).

Conditions:
FG syndrome (FGS). Identifiers: MedGen C0220769, MONDO:0002010.

Submission:

Labcorp Genetics (formerly Invitae), Labcorp
Classification: Uncertain significance for FG syndrome. Last evaluated: 2023-09-05. Review status: criteria provided, single submitter. Criteria: Invitae Variant Classification Sherloc (09022015). Collection method: clinical testing. Allele origin: germline.
Comment: This variant is not present in population databases (gnomAD no frequency). This sequence change replaces proline, which is neutral and non-polar, with leucine, which is neutral and non-polar, at codon 1408 of the MED12 protein (p.Pro1408Leu). This variant has not been reported in the literature in individuals affected with MED12-related conditions. Advanced modeling of protein sequence and biophysical properties (such as structural, functional, and spatial information, amino acid conservation, physicochemical variation, residue mobility, and thermodynamic stability) performed at Invitae indicates that this missense variant is not expected to disrupt MED12 protein function. In summary, the available evidence is currently insufficient to determine the role of this variant in disease. Therefore, it has been classified as a Variant of Uncertain Significance.